The following is an entry in ClinVar:

NM_001110556.2(FLNA):c.3036G>A (p.Ser1012=)

Gene: FLNA (filamin A; minus strand). Cytogenetic location: Xq28.
Variant type: single nucleotide variant.
Coding change: c.3036G>A on transcript NM_001110556.2 (MANE Select); coding-DNA position 3036, G replaced by A.
Protein change: p.Ser1012=; no amino-acid change (serine 1012 retained).
Molecular consequence: synonymous variant.
Genome position (GRCh38, 1-based): chrX:154,361,479, C>T on the plus strand (G>A on the coding strand, the complement: FLNA is on the minus strand). VCF-style: chrX-154361479-C-T. GRCh37 (hg19) VCF-style: chrX-153589847-C-T.
Other names: c.3036G>A, p.Ser1012= (NM_001456.4); c.3036G>A (NM_001110556.1).
Identifiers: ClinVar variation 382396 (VCV000382396.18), dbSNP rs373908435, ClinGen allele CA10560785.

ClinVar aggregate classification (germline): Benign/Likely benign. Review status: criteria provided, multiple submitters, no conflicts (2 of 4 stars). 5 submissions from 5 submitters: Benign (1); Likely benign (4). Last evaluated 2026-01-21.

Conditions:
Oto-palato-digital syndrome, type II (OPD2). Also called: OPD II SYNDROME; Otopalatodigital Syndrome, Type II; FACIOPALATOOSSEOUS SYNDROME; Otopalatodigital Syndrome Type 2 (FLNA-OPD2). Identifiers: Orphanet 669, Orphanet 90652, MedGen C1844696, MONDO:0010571, OMIM 304120.
Melnick-Needles syndrome (MNS). Also called: MELNICK-NEEDLES OSTEODYSPLASTY; OSTEODYSPLASTY OF MELNICK AND NEEDLES; Melnick-Needles Syndrome (FLNA-MNS). Identifiers: Orphanet 2484, MedGen C0025237, MONDO:0010650, OMIM 309350.
Heterotopia, periventricular, X-linked dominant (PVNH1). Also called: PERIVENTRICULAR NODULAR HETEROTOPIA 1; X-linked periventricular heterotopia; PERIVENTRICULAR NODULAR HETEROTOPIA 4; HETEROTOPIA, PERIVENTRICULAR, 1. Identifiers: Orphanet 2149, Orphanet 82004, MedGen C1848213, MONDO:0010233, OMIM 300049.
Frontometaphyseal dysplasia (FMD1). Identifiers: Orphanet 1826, MedGen C0265293, MONDO:0015942.
FLNA-related disorder.
Familial thoracic aortic aneurysm and aortic dissection (TAAD). Also called: Thoracic aortic aneurysms and dissections. Identifiers: Orphanet 91387, MedGen C4707243, MONDO:0019625.

Allele frequency attached by ClinVar (database versions not stated): ExAC 0.00003; gnomAD 0.00004; TOPMed 0.00004; gnomAD exomes 0.00005 and 0.00014; ESP Exome Variant Server 0.00010.
gnomAD v4.1: 159 of 1,209,166 alleles (0.013%); highest among the groups gnomAD compares: Middle Eastern, 0.023%; no homozygotes.

Submissions (6):

Labcorp Genetics (formerly Invitae), Labcorp
Classification: Benign for Oto-palato-digital syndrome, type II; Heterotopia, periventricular, X-linked dominant; Frontometaphyseal dysplasia; Melnick-Needles syndrome. Last evaluated: 2026-01-21. Review status: criteria provided, single submitter. Criteria: Invitae Variant Classification Sherloc (09022015). Collection method: clinical testing. Allele origin: germline.

PreventionGenetics, part of Exact Sciences
Classification: Likely benign for FLNA-related condition. Last evaluated: 2024-11-29. Review status: criteria provided, single submitter. Criteria: ACMG Guidelines, 2015. Collection method: clinical testing. Allele origin: germline.
Comment: This variant is classified as likely benign based on ACMG/AMP sequence variant interpretation guidelines (Richards et al. 2015 PMID: 25741868, with internal and published modifications).

Ambry Genetics
Classification: Likely benign for Familial thoracic aortic aneurysm and aortic dissection. Last evaluated: 2022-08-03. Review status: criteria provided, single submitter. Criteria: Ambry Variant Classification Scheme 2023. Collection method: clinical testing. Allele origin: germline.

ARUP Laboratories, Molecular Genetics and Genomics, ARUP Laboratories
Classification: Likely benign. Last evaluated: 2022-04-04. Review status: criteria provided, single submitter. Criteria: ARUP Molecular Germline Variant Investigation Process 2021. Collection method: clinical testing. Allele origin: germline.

GeneDx
Classification: Likely benign. Last evaluated: 2016-06-27. Review status: criteria provided, single submitter. Criteria: GeneDx Variant Classification (06012015). Collection method: clinical testing. Allele origin: germline. Affected: yes.
Comment: This variant is considered likely benign or benign based on one or more of the following criteria: it is a conservative change, it occurs at a poorly conserved position in the protein, it is predicted to be benign by multiple in silico algorithms, and/or has population frequency not consistent with disease.

Dr. Peter K. Rogan Lab, Western University
No classification provided (evidence only). Condition: Thyroid cancer, nonmedullary, 1. Review status: no classification provided. Collection method: in vitro. Allele origin: not applicable. Functional consequence: retained intron. Not counted in ClinVar's aggregate classification.